The following is an entry in ClinVar:

ClinVar aggregate classification (germline): Pathogenic. Review status: criteria provided, single submitter (1 of 4 stars). 2 submissions from 2 submitters: Pathogenic (1). 1 of the submissions does not count toward it. Last evaluated 2024-02-13.

Conditions:
PEHO-like syndrome. Also called: PROGRESSIVE ENCEPHALOPATHY WITH EDEMA, HYPSARRHYTHMIA, AND OPTIC ATROPHY-LIKE SYNDROME. Identifiers: Orphanet 99807, MedGen C1850056, MONDO:0020495, OMIM 617507.

Submissions (2):

Labcorp Genetics (formerly Invitae), Labcorp
Classification: Pathogenic. Last evaluated: 2024-02-13. Review status: criteria provided, single submitter. Criteria: Invitae Variant Classification Sherloc (09022015). Collection method: clinical testing. Allele origin: germline.
Comment: This sequence change creates a premature translational stop signal (p.Ile648*) in the CCDC88A gene. It is expected to result in an absent or disrupted protein product. Loss-of-function variants in CCDC88A are known to be pathogenic (PMID: 26917597, 30392057). This variant is not present in population databases (gnomAD no frequency). This variant has not been reported in the literature in individuals affected with CCDC88A-related conditions. ClinVar contains an entry for this variant (Variation ID: 1365714). For these reasons, this variant has been classified as Pathogenic.

OMIM
Classification: Pathogenic for PEHO-LIKE SYNDROME. Last evaluated: 2024-11-12. Review status: no assertion criteria provided. Collection method: literature only. Allele origin: germline. Not counted in ClinVar's aggregate classification.

Literature cited by the submitters: PubMed 26917597 (cited by Labcorp Genetics (formerly Invitae), Labcorp); PubMed 30392057 (cited by Labcorp Genetics (formerly Invitae), Labcorp); PubMed 39334473 (cited by OMIM).

NM_001365480.1(CCDC88A):c.1942del (p.Lys647_Ile648insTer)

Gene: CCDC88A (coiled-coil and HOOK domain protein 88A; minus strand). Cytogenetic location: 2p16.1.
Variant type: Deletion.
Coding change: c.1942del on transcript NM_001365480.1 (MANE Select); coding-DNA position 1942, one base deleted (A; older notation c.1942delA).
Protein change: p.Lys647_Ile648insTer.
Molecular consequence: nonsense.
Genome position (GRCh38, 1-based): chr2:55,334,879, T deleted on the plus strand (A on the coding strand, the reverse complement: CCDC88A is on the minus strand); the first of 7 consecutive T bases (chr2:55,334,879-55,334,885); deleting any one gives the same sequence. VCF-style (leftmost placement, unchanged base first): chr2-55334878-AT-A. GRCh37 (hg19) VCF-style: chr2-55562014-AT-A.
Other names: I648*; c.1942del, p.Lys647_Ile648insTer (NM_001135597.2, NM_001254943.2, NM_018084.5).
Identifiers: ClinVar variation 1365714 (VCV001365714.7), dbSNP rs2104690231, ClinGen allele CA2573135032.
Genomic context (GRCh38, chr2:55,334,878, plus strand): 5'-AGCTCTGAATTTTCTTGTTCTAAGGCCTCAATTTTTTCACAAGTAATTTTTAAATTAGTT[AT>A]TTTTTTCTGTAATAATTCATTTTCTTTTTCAAGATGATGCAATTCATTTTCAAGTTCTTC-3'